The following is an entry in ClinVar:

ClinVar aggregate classification (germline): Uncertain significance. Review status: criteria provided, multiple submitters, no conflicts (2 of 4 stars). 2 submissions from 2 submitters: Uncertain significance (2). Last evaluated 2024-10-14.

Allele frequency attached by ClinVar (database versions not stated): TOPMed below 0.00001; gnomAD exomes 0.00001.
gnomAD v4.1: 16 of 1,610,028 alleles (0.00099%); highest among the groups gnomAD compares: Non-Finnish European, 0.0014%; no homozygotes.

Submissions (2):

Ambry Genetics
Classification: Uncertain significance. Last evaluated: 2024-10-14. Review status: criteria provided, single submitter. Criteria: Ambry Variant Classification Scheme 2023. Collection method: clinical testing. Allele origin: germline.
Comment: The p.P126L variant (also known as c.377C>T), located in coding exon 3 of the RECQL gene, results from a C to T substitution at nucleotide position 377. The proline at codon 126 is replaced by leucine, an amino acid with similar properties. This amino acid position is highly conserved in available vertebrate species. In addition, this alteration is predicted to be deleterious by in silico analysis. Since supporting evidence is limited at this time, the clinical significance of this alteration remains unclear.

Labcorp Genetics (formerly Invitae), Labcorp
Classification: Uncertain significance. Last evaluated: 2021-11-08. Review status: criteria provided, single submitter. Criteria: Invitae Variant Classification Sherloc (09022015). Collection method: clinical testing. Allele origin: germline.
Comment: This sequence change replaces proline, which is neutral and non-polar, with leucine, which is neutral and non-polar, at codon 126 of the RECQL protein (p.Pro126Leu). This variant is present in population databases (no rsID available, gnomAD 0.002%). This variant has not been reported in the literature in individuals affected with RECQL-related conditions. Algorithms developed to predict the effect of missense changes on protein structure and function are either unavailable or do not agree on the potential impact of this missense change (SIFT: "Deleterious"; PolyPhen-2: "Probably Damaging"; Align-GVGD: "Class C0"). In summary, the available evidence is currently insufficient to determine the role of this variant in disease. Therefore, it has been classified as a Variant of Uncertain Significance.

NM_002907.4(RECQL):c.377C>T (p.Pro126Leu)

Gene: RECQL (RecQ like helicase; minus strand). Cytogenetic location: 12p12.1.
Variant type: single nucleotide variant.
Coding change: c.377C>T on transcript NM_002907.4 (MANE Select); coding-DNA position 377, C replaced by T.
Protein change: p.Pro126Leu; replaces proline 126 with leucine.
Molecular consequence: missense variant.
Genome position (GRCh38, 1-based): chr12:21,490,216, G>A on the plus strand (C>T on the coding strand, the complement: RECQL is on the minus strand). VCF-style: chr12-21490216-G-A. GRCh37 (hg19) VCF-style: chr12-21643150-G-A.
Other names: c.377C>T, p.Pro126Leu (NM_032941.3); short protein forms P126L.
Identifiers: ClinVar variation 1469516 (VCV001469516.9), dbSNP rs1267616869, ClinGen allele CA384132202.